The following is an entry in ClinVar:

NM_152419.3(HGSNAT):c.877A>G (p.Ile293Val)

Gene: HGSNAT (heparan-alpha-glucosaminide N-acetyltransferase; plus strand). Cytogenetic location: 8p11.21.
Variant type: single nucleotide variant.
Coding change: c.877A>G on transcript NM_152419.3 (MANE Select); coding-DNA position 877, A replaced by G.
Protein change: p.Ile293Val; replaces isoleucine 293 with valine.
Molecular consequence: missense variant. On other transcripts: intron variant (1).
Genome position (GRCh38, 1-based): chr8:43,178,099, A>G. VCF-style: chr8-43178099-A-G. GRCh37 (hg19) VCF-style: chr8-43033242-A-G.
Other names: c.877A>G, p.Ile293Val (NM_001363227.2); c.13A>G, p.Ile5Val (NM_001363229.2); c.821-4046A>G (NM_001363228.2); short protein forms I293V, I5V.
Identifiers: ClinVar variation 2155743 (VCV002155743.5), dbSNP rs779347965, ClinGen allele CA4736677.

ClinVar aggregate classification (germline): Conflicting classifications of pathogenicity. Review status: criteria provided, conflicting classifications (1 of 4 stars). 2 submissions from 2 submitters: Uncertain significance (1); Likely benign (1). Last evaluated 2022-05-06.

Conditions:
Mucopolysaccharidosis, MPS-III-C (MPS3C). Also called: SANFILIPPO SYNDROME C; MPS III C; mucopolysaccharidosis type 3C; MUCOPOLYSACCHARIDOSIS, TYPE IIIC; MPS IIIC (Sanfilippo Syndrome Type C); Mucopolysaccharidosis type IIIC (Sanfilippo C). Identifiers: Orphanet 581, Orphanet 79271, MedGen C0086649, MONDO:0009657, OMIM 252930.
Retinitis pigmentosa 73 (RP73). Identifiers: Orphanet 791, MedGen C4225287, MONDO:0014687, OMIM 616544.

Allele frequency attached by ClinVar (database versions not stated): gnomAD exomes below 0.00001; ExAC 0.00001.
gnomAD v4.1: 3 of 1,612,946 alleles (0.00019%); highest among the groups gnomAD compares: African/African-American, 0.0013%; no homozygotes.

Submissions (2):

Labcorp Genetics (formerly Invitae), Labcorp
Classification: Uncertain significance for Retinitis pigmentosa 73; Mucopolysaccharidosis, MPS-III-C. Last evaluated: 2022-05-06. Review status: criteria provided, single submitter. Criteria: Invitae Variant Classification Sherloc (09022015). Collection method: clinical testing. Allele origin: germline.
Comment: This variant has not been reported in the literature in individuals affected with HGSNAT-related conditions. This variant is present in population databases (rs779347965, gnomAD 0.0009%). This sequence change replaces isoleucine, which is neutral and non-polar, with valine, which is neutral and non-polar, at codon 293 of the HGSNAT protein (p.Ile293Val). In summary, the available evidence is currently insufficient to determine the role of this variant in disease. Therefore, it has been classified as a Variant of Uncertain Significance. Advanced modeling of protein sequence and biophysical properties (such as structural, functional, and spatial information, amino acid conservation, physicochemical variation, residue mobility, and thermodynamic stability) performed at Invitae indicates that this missense variant is not expected to disrupt HGSNAT protein function.

Blueprint Genetics
Classification: Likely benign. Last evaluated: 2017-11-24. Review status: criteria provided, single submitter. Criteria: ACMG Guidelines, 2015. Collection method: clinical testing. Allele origin: germline.